The following is an entry in ClinVar:

ClinVar aggregate classification (germline): Benign (0 of 4 stars; one submission).

Conditions:
DNAH17-related disorder. Also called: DNAH17-related condition.

Allele frequency attached by ClinVar (database versions not stated): ESP Exome Variant Server 0.00008; TOPMed 0.00035; gnomAD 0.00109; gnomAD exomes 0.00196; ExAC 0.00491; 1000 Genomes Project 30x 0.00718; 1000 Genomes Project 0.00799.
gnomAD v4.1: 3,056 of 1,613,142 alleles (0.19%); highest among the groups gnomAD compares: South Asian, 3%; 71 homozygotes.

Submission:

PreventionGenetics, part of Exact Sciences
Classification: Benign for DNAH17-related condition. Last evaluated: 2019-05-24. Review status: no assertion criteria provided. Collection method: clinical testing. Allele origin: germline.
Comment: This variant is classified as benign based on ACMG/AMP sequence variant interpretation guidelines (Richards et al. 2015 PMID: 25741868, with internal and published modifications).

NM_173628.4(DNAH17):c.5314G>A (p.Val1772Met)

Genes: DNAH17 (dynein axonemal heavy chain 17; minus strand), DNAH17-AS1 (DNAH17 antisense RNA 1; plus strand). Cytogenetic location: 17q25.3.
Variant type: single nucleotide variant.
Coding change: c.5314G>A on transcript NM_173628.4 (MANE Select); coding-DNA position 5314, G replaced by A.
Protein change: p.Val1772Met; replaces valine 1772 with methionine.
Molecular consequence: missense variant. On other transcripts: non-coding transcript variant (1).
Genome position (GRCh38, 1-based): chr17:78,501,750, C>T on the plus strand (G>A on the coding strand, the complement: DNAH17 is on the minus strand). VCF-style: chr17-78501750-C-T. GRCh37 (hg19) VCF-style: chr17-76497832-C-T.
Other names: short protein forms V1772M.
Identifiers: ClinVar variation 3039435 (VCV003039435.2), dbSNP rs369607138, ClinGen allele CA8803330.